The following is an entry in ClinVar:

NM_000231.3(SGCG):c.615C>A (p.Ala205=)

Gene: SGCG (sarcoglycan gamma; plus strand). Cytogenetic location: 13q12.12.
Variant type: single nucleotide variant.
Coding change: c.615C>A on transcript NM_000231.3 (MANE Select); coding-DNA position 615, C replaced by A.
Protein change: p.Ala205=; no amino-acid change (alanine 205 retained).
Molecular consequence: synonymous variant.
Genome position (GRCh38, 1-based): chr13:23,320,673, C>A. VCF-style: chr13-23320673-C-A. GRCh37 (hg19) VCF-style: chr13-23894812-C-A.
Other names: c.669C>A, p.Ala223= (NM_001378244.1); c.615C>A, p.Ala205= (NM_001378245.1, NM_001378246.1).
Identifiers: ClinVar variation 706196 (VCV000706196.16), dbSNP rs142409090, ClinGen allele CA6909797.

ClinVar aggregate classification (germline): Conflicting classifications of pathogenicity. Review status: criteria provided, conflicting classifications (1 of 4 stars). 4 submissions from 4 submitters: Uncertain significance (1); Likely benign (2). 1 of the submissions does not count toward it. Last evaluated 2026-08-01.

Conditions:
Autosomal recessive limb-girdle muscular dystrophy type 2C (LGMDR5). Also called: MUSCULAR DYSTROPHY, DUCHENNE-LIKE; MUSCULAR DYSTROPHY, LIMB-GIRDLE, AUTOSOMAL RECESSIVE 5. Identifiers: Orphanet 353, MedGen C0410173, MONDO:0009677, OMIM 253700. Disease mechanism: Affects gamma-sarcoglycan and also disrupts the integrity of the entire sarcoglycan complex..
Sarcoglycanopathy. Identifiers: Orphanet 207052, MedGen C2936331, MONDO:0016140.

Allele frequency attached by ClinVar (database versions not stated): gnomAD 0.00001 and 0.00010; TOPMed 0.00002; gnomAD exomes 0.00005; ExAC 0.00010; 1000 Genomes Project 30x 0.00031; 1000 Genomes Project 0.00040.
gnomAD v4.1: 202 of 1,607,036 alleles (0.013%); highest among the groups gnomAD compares: East Asian, 0.45%; 1 homozygote.

Submissions (4):

CeGaT Center for Human Genetics Tuebingen
Classification: Likely benign. Last evaluated: 2026-08-01. Review status: criteria provided, single submitter. Criteria: CeGaT Center For Human Genetics Tuebingen Variant Classification Criteria Version 2. Collection method: clinical testing. Allele origin: germline. Affected: yes. Observed: 1 variant allele.
Comment: SGCG: BP4, BP7

Labcorp Genetics (formerly Invitae), Labcorp
Classification: Likely benign for Autosomal recessive limb-girdle muscular dystrophy type 2C. Last evaluated: 2025-12-11. Review status: criteria provided, single submitter. Criteria: Invitae Variant Classification Sherloc (09022015). Collection method: clinical testing. Allele origin: germline.

Illumina Laboratory Services, Illumina
Classification: Uncertain significance for Sarcoglycanopathy. Last evaluated: 2018-01-12. Review status: criteria provided, single submitter. Criteria: ICSL Variant Classification Criteria 13 December 2019. Collection method: clinical testing. Allele origin: germline.

Natera, Inc.
Classification: Likely benign for Limb-girdle muscular dystrophy type 2C. Last evaluated: 2020-04-19. Review status: no assertion criteria provided. Collection method: clinical testing. Allele origin: germline. Not counted in ClinVar's aggregate classification.